The following is an entry in ClinVar:

NM_005476.7(GNE):c.725C>T (p.Ser242Leu)

Gene: GNE (glucosamine (UDP-N-acetyl)-2-epimerase/N-acetylmannosamine kinase; minus strand). Cytogenetic location: 9p13.3.
Variant type: single nucleotide variant.
Coding change: c.725C>T on transcript NM_005476.7 (MANE Select); coding-DNA position 725, C replaced by T.
Protein change: p.Ser242Leu; replaces serine 242 with leucine.
Molecular consequence: missense variant. On other transcripts: intron variant (2).
Genome position (GRCh38, 1-based): chr9:36,236,876, G>A on the plus strand (C>T on the coding strand, the complement: GNE is on the minus strand). VCF-style: chr9-36236876-G-A. GRCh37 (hg19) VCF-style: chr9-36236873-G-A.
Other names: c.818C>T, p.Ser273Leu (NM_001128227.3); c.725C>T, p.Ser242Leu (NM_001190383.3); c.548C>T, p.Ser183Leu (NM_001190388.2, NM_001374798.1); c.440-2744C>T (NM_001190384.3); c.617-2744C>T (NM_001374797.1); short protein forms S273L, S183L, S242L.
Identifiers: ClinVar variation 969149 (VCV000969149.12), dbSNP rs771167726, ClinGen allele CA5056672.

ClinVar aggregate classification (germline): Uncertain significance. Review status: criteria provided, multiple submitters, no conflicts (2 of 4 stars). 4 submissions from 4 submitters: Uncertain significance (3). 1 of the submissions does not count toward it. Last evaluated 2026-08-01.

Conditions:
GNE myopathy (NM). Also called: MYOPATHY, DISTAL, WITH OR WITHOUT RIMMED VACUOLES; IBM 2; Inclusion body myopathy autosomal recessive; Inclusion body myopathy quadriceps sparing; NONAKA DISTAL MYOPATHY; INCLUSION BODY MYOPATHY, HEREDITARY, AUTOSOMAL RECESSIVE. Identifiers: Orphanet 602, MedGen C1853926, MONDO:0011603, OMIM 605820.
Sialuria. Also called: Sialic Acid Storage Disease; SIALURIA, FRENCH TYPE. Identifiers: Orphanet 3166, MedGen C0342853, MONDO:0010028, OMIM 269921.

Allele frequency attached by ClinVar (database versions not stated): ExAC 0.00002; TOPMed 0.00002; gnomAD exomes 0.00004.
gnomAD v4.1: 11 of 1,613,568 alleles (0.00068%); highest among the groups gnomAD compares: Admixed American, 0.018%; no homozygotes.

Submissions (4):

CeGaT Center for Human Genetics Tuebingen
Classification: Uncertain significance. Last evaluated: 2026-08-01. Review status: criteria provided, single submitter. Criteria: CeGaT Center For Human Genetics Tuebingen Variant Classification Criteria Version 2. Collection method: clinical testing. Allele origin: germline. Affected: yes. Observed: 1 variant allele.
Comment: GNE: PM2, PP3

Labcorp Genetics (formerly Invitae), Labcorp
Classification: Uncertain significance for Sialuria; GNE myopathy. Last evaluated: 2025-12-23. Review status: criteria provided, single submitter. Criteria: Invitae Variant Classification Sherloc (09022015). Collection method: clinical testing. Allele origin: germline.
Comment: This sequence change replaces serine, which is neutral and polar, with leucine, which is neutral and non-polar, at codon 273 of the GNE protein (p.Ser273Leu). This variant is present in population databases (rs771167726, gnomAD 0.03%). This variant has not been reported in the literature in individuals affected with GNE-related conditions. ClinVar contains an entry for this variant (Variation ID: 969149). Invitae Evidence Modeling of protein sequence and biophysical properties (such as structural, functional, and spatial information, amino acid conservation, physicochemical variation, residue mobility, and thermodynamic stability) has been performed for this missense variant. However, the output from this modeling did not meet the statistical confidence thresholds required to predict the impact of this variant on GNE protein function. In summary, the available evidence is currently insufficient to determine the role of this variant in disease. Therefore, it has been classified as a Variant of Uncertain Significance.

GeneDx
Classification: Uncertain significance. Last evaluated: 2019-07-22. Review status: criteria provided, single submitter. Criteria: GeneDx Variant Classification Process June 2021. Collection method: clinical testing. Allele origin: germline. Affected: yes.
Comment: Has not been previously published as pathogenic or benign to our knowledge; In silico analysis, which includes protein predictors and evolutionary conservation, supports a deleterious effect

Natera, Inc.
Classification: Uncertain significance for Nonaka myopathy. Last evaluated: 2021-01-21. Review status: no assertion criteria provided. Collection method: clinical testing. Allele origin: germline. Not counted in ClinVar's aggregate classification.